The following is an entry in ClinVar:

NM_014159.7(SETD2):c.1184G>A (p.Arg395Lys)

Gene: SETD2 (SET domain containing 2, histone lysine methyltransferase; minus strand). Cytogenetic location: 3p21.31.
Variant type: single nucleotide variant.
Coding change: c.1184G>A on transcript NM_014159.7 (MANE Select); coding-DNA position 1184, G replaced by A.
Protein change: p.Arg395Lys; replaces arginine 395 with lysine.
Molecular consequence: missense variant. On other transcripts: non-coding transcript variant (1).
Genome position (GRCh38, 1-based): chr3:47,123,452, C>T on the plus strand (G>A on the coding strand, the complement: SETD2 is on the minus strand). VCF-style: chr3-47123452-C-T. GRCh37 (hg19) VCF-style: chr3-47164942-C-T.
Other names: c.1052G>A, p.Arg351Lys (NM_001349370.3); short protein forms R351K, R395K.
Identifiers: ClinVar variation 843232 (VCV000843232.6), dbSNP rs937652837, ClinGen allele CA73811715.

ClinVar aggregate classification (germline): Uncertain significance (1 of 4 stars; one submission).

Conditions:
Luscan-Lumish syndrome. Identifiers: Orphanet 597738, MedGen C4085873, MONDO:0014791, OMIM 616831.

Allele frequency attached by ClinVar (database versions not stated): gnomAD exomes below 0.00001; gnomAD 0.00001; TOPMed 0.00001.
gnomAD v4.1: 4 of 1,551,356 alleles (0.00026%); highest among the groups gnomAD compares: African/African-American, 0.0014%; no homozygotes.

Submission:

Labcorp Genetics (formerly Invitae), Labcorp
Classification: Uncertain significance for Luscan-Lumish syndrome. Last evaluated: 2019-12-03. Review status: criteria provided, single submitter. Criteria: Invitae Variant Classification Sherloc (09022015). Collection method: clinical testing. Allele origin: germline.
Comment: In summary, the available evidence is currently insufficient to determine the role of this variant in disease. Therefore, it has been classified as a Variant of Uncertain Significance. Algorithms developed to predict the effect of missense changes on protein structure and function are either unavailable or do not agree on the potential impact of this missense change (SIFT: "Tolerated"; PolyPhen-2: "Probably Damaging"; Align-GVGD: "Class C0"). This variant has not been reported in the literature in individuals with SETD2-related conditions. This variant is not present in population databases (ExAC no frequency). This sequence change replaces arginine with lysine at codon 395 of the SETD2 protein (p.Arg395Lys). The arginine residue is highly conserved and there is a small physicochemical difference between arginine and lysine.